The following is an entry in ClinVar:

NM_001042492.3(NF1):c.2476A>C (p.Ile826Leu)

Gene: NF1 (neurofibromin 1; plus strand). Cytogenetic location: 17q11.2.
Variant type: single nucleotide variant.
Coding change: c.2476A>C on transcript NM_001042492.3 (MANE Select); coding-DNA position 2476, A replaced by C.
Protein change: p.Ile826Leu; replaces isoleucine 826 with leucine.
Molecular consequence: missense variant.
Genome position (GRCh38, 1-based): chr17:31,229,091, A>C. VCF-style: chr17-31229091-A-C. GRCh37 (hg19) VCF-style: chr17-29556109-A-C.
Other names: c.2476A>C, p.Ile826Leu (NM_000267.4); short protein forms I826L.
Identifiers: ClinVar variation 231893 (VCV000231893.16), dbSNP rs767069721, ClinGen allele CA10580255.

ClinVar aggregate classification (germline): Conflicting classifications of pathogenicity. Review status: criteria provided, conflicting classifications (1 of 4 stars). 7 submissions from 6 submitters: Uncertain significance (6); Benign (1). Last evaluated 2026-01-06.

Conditions:
Cardiovascular phenotype. Identifiers: MedGen CN230736.
Hereditary cancer-predisposing syndrome. Also called: Hereditary Cancer Syndrome; Neoplastic Syndromes, Hereditary; Tumor predisposition; Hereditary neoplastic syndrome. Identifiers: Orphanet 140162, MedGen C0027672, MeSH D009386, MONDO:0015356.
Neurofibromatosis, type 1 (NF1). Also called: Neurofibromatosis, type I; VON RECKLINGHAUSEN DISEASE; NEUROFIBROMATOSIS, TYPE I, SOMATIC; Peripheral type neurofibromatosis. Identifiers: Orphanet 636, MedGen C0027831, MONDO:0018975, OMIM 162200. Disease mechanism: loss of function.
Juvenile myelomonocytic leukemia (JMML). Also called: LEUKEMIA, JUVENILE MYELOMONOCYTIC, SOMATIC. Identifiers: Orphanet 86834, MedGen C0349639, MONDO:0011908, OMIM 607785, HP:0012209.

Allele frequency attached by ClinVar (database versions not stated): gnomAD 0.00001; TOPMed 0.00001.
gnomAD v4.1: 27 of 1,611,808 alleles (0.0017%); highest among the groups gnomAD compares: Non-Finnish European, 0.0023%; no homozygotes.

Submissions (7):

Labcorp Genetics (formerly Invitae), Labcorp
Classification: Benign for Neurofibromatosis, type 1. Last evaluated: 2026-01-06. Review status: criteria provided, single submitter. Criteria: Invitae Variant Classification Sherloc (09022015). Collection method: clinical testing. Allele origin: germline.

Baylor Genetics
Classification: Uncertain significance for Juvenile myelomonocytic leukemia. Last evaluated: 2023-10-24. Review status: criteria provided, single submitter. Criteria: ACMG Guidelines, 2015. Collection method: clinical testing. Allele origin: unknown.

Institute for Biomarker Research, Medical Diagnostic Laboratories, L.L.C.
Classification: Uncertain significance for Hereditary cancer-predisposing syndrome. Last evaluated: 2023-03-09. Review status: criteria provided, single submitter. Criteria: ACMG Guidelines, 2015. Collection method: clinical testing. Allele origin: germline.

Genome-Nilou Lab
Classification: Uncertain significance for Neurofibromatosis, type 1. Last evaluated: 2022-03-15. Review status: criteria provided, single submitter. Criteria: ACMG Guidelines, 2015. Collection method: clinical testing. Allele origin: germline. Affected: no.

Ambry Genetics
Classification: Uncertain significance for Cardiovascular phenotype; Hereditary cancer-predisposing syndrome. Last evaluated: 2021-03-09. Review status: criteria provided, single submitter. Criteria: Ambry Variant Classification Scheme 2023. Collection method: clinical testing. Allele origin: germline.

PreventionGenetics, part of Exact Sciences
Classification: Uncertain significance. Last evaluated: 2017-10-27. Review status: criteria provided, single submitter. Criteria: ACMG Guidelines, 2015. Collection method: clinical testing. Allele origin: germline.

Ambry Genetics
Classification: Uncertain significance for Hereditary cancer-predisposing syndrome. Last evaluated: 2015-05-27. Review status: criteria provided, single submitter. Criteria: Ambry Autosomal Dominant and X-Linked criteria (10/2015). Collection method: clinical testing. Allele origin: germline. Observed: 1 variant allele.
Comment: The p.I826L variant (also known as c.2476A>C), located in coding exon 21 of the NF1 gene, results from an A to C substitution at nucleotide position 2476. The isoleucine at codon 826 is replaced by leucine, an amino acid with highly similar properties. This variant was not reported in population based cohorts in the following databases: Database of Single Nucleotide Polymorphisms (dbSNP), NHLBI Exome Sequencing Project (ESP), and 1000 Genomes Project. In the ESP, this variant was not observed in 6502 samples (13004 alleles) with coverage at this position. To date, this alteration has been detected with an allele frequency of approximately 0.002% (greater than 55000alleles tested) in our clinical cohort.This amino acid position is well conserved in available vertebrate species. In addition, this alteration is predicted to be tolerated by in silico analysis.Since supporting evidence is limited at this time, the clinical significance of p.I826L remains unclear.